The following is an entry in ClinVar:

NM_001369.3(DNAH5):c.12157T>C (p.Ser4053Pro)

Gene: DNAH5 (dynein axonemal heavy chain 5; minus strand). Cytogenetic location: 5p15.2.
Variant type: single nucleotide variant.
Coding change: c.12157T>C on transcript NM_001369.3 (MANE Select); coding-DNA position 12157, T replaced by C.
Protein change: p.Ser4053Pro; replaces serine 4053 with proline.
Molecular consequence: missense variant.
Genome position (GRCh38, 1-based): chr5:13,721,122, A>G on the plus strand (T>C on the coding strand, the complement: DNAH5 is on the minus strand). VCF-style: chr5-13721122-A-G. GRCh37 (hg19) VCF-style: chr5-13721231-A-G.
Other names: short protein forms S4053P.
Identifiers: ClinVar variation 858820 (VCV000858820.10), dbSNP rs140496584, ClinGen allele CA3201722.
Genomic context (GRCh38, chr5:13,721,122, plus strand): 5'-CATAACGGGTTTCTATTTTTAATCTCTTCCCCAAGGCAATGATGGAATCTGTGGGGTCTG[A>G]GCCCATAGACAGGAGACAGATGAGTGGCGTCCGTGGATCAGATTCCTCCCACGTCTTCTC-3'
Protein context (NP_001360.1, residues 4043-4063): TPLICLLSMG[Ser4053Pro]DPTDSIIALG

ClinVar aggregate classification (germline): Uncertain significance. Review status: criteria provided, single submitter (1 of 4 stars). 2 submissions from 2 submitters: Uncertain significance (1). 1 of the submissions does not count toward it. Last evaluated 2021-09-02.

Conditions:
Primary ciliary dyskinesia. Also called: Ciliary dyskinesia. Identifiers: Orphanet 244, MedGen C0008780, MONDO:0016575, HP:0012265.

Allele frequency attached by ClinVar (database versions not stated): gnomAD exomes 0.00001 and 0.00002; TOPMed 0.00001; ExAC 0.00002; ESP Exome Variant Server 0.00008.
gnomAD v4.1: 13 of 1,614,128 alleles (0.00081%); highest among the groups gnomAD compares: Non-Finnish European, 0.0011%; no homozygotes.

Submissions (2):

Labcorp Genetics (formerly Invitae), Labcorp
Classification: Uncertain significance for Primary ciliary dyskinesia. Last evaluated: 2021-09-02. Review status: criteria provided, single submitter. Criteria: Invitae Variant Classification Sherloc (09022015). Collection method: clinical testing. Allele origin: germline.
Comment: This sequence change replaces serine with proline at codon 4053 of the DNAH5 protein (p.Ser4053Pro). The serine residue is highly conserved and there is a moderate physicochemical difference between serine and proline. This variant is present in population databases (rs140496584, ExAC 0.003%). This variant has not been reported in the literature in individuals affected with DNAH5-related conditions. Algorithms developed to predict the effect of missense changes on protein structure and function are either unavailable or do not agree on the potential impact of this missense change (SIFT: "Deleterious"; PolyPhen-2: "Possibly Damaging"; Align-GVGD: "Class C0"). In summary, the available evidence is currently insufficient to determine the role of this variant in disease. Therefore, it has been classified as a Variant of Uncertain Significance.

Natera, Inc.
Classification: Uncertain significance for Primary ciliary dyskinesia. Last evaluated: 2021-03-22. Review status: no assertion criteria provided. Collection method: clinical testing. Allele origin: germline. Not counted in ClinVar's aggregate classification.